The following is an entry in ClinVar:

NM_000057.4(BLM):c.2726A>G (p.Gln909Arg)

Gene: BLM (BLM RecQ like helicase; plus strand). Cytogenetic location: 15q26.1.
Variant type: single nucleotide variant.
Coding change: c.2726A>G on transcript NM_000057.4 (MANE Select); coding-DNA position 2726, A replaced by G.
Protein change: p.Gln909Arg; replaces glutamine 909 with arginine.
Molecular consequence: missense variant.
Genome position (GRCh38, 1-based): chr15:90,784,984, A>G. VCF-style: chr15-90784984-A-G. GRCh37 (hg19) VCF-style: chr15-91328214-A-G.
Other names: c.2726A>G, p.Gln909Arg (NM_001287246.2, NM_001287247.2); c.1601A>G, p.Gln534Arg (NM_001287248.2); short protein forms Q909R, Q534R.
Identifiers: ClinVar variation 4211334 (VCV004211334.1).

ClinVar aggregate classification (germline): Uncertain significance (1 of 4 stars; one submission).

Conditions:
Hereditary cancer-predisposing syndrome. Also called: Neoplastic Syndromes, Hereditary; Tumor predisposition; Hereditary Cancer Syndrome; Hereditary neoplastic syndrome. Identifiers: Orphanet 140162, MedGen C0027672, MeSH D009386, MONDO:0015356.

gnomAD v4.1: 5 of 1,614,196 alleles (0.00031%); highest among the groups gnomAD compares: African/African-American, 0.0013%; no homozygotes.

Submission:

Ambry Genetics
Classification: Uncertain significance for Hereditary cancer-predisposing syndrome. Last evaluated: 2025-07-03. Review status: criteria provided, single submitter. Criteria: Ambry Variant Classification Scheme 2023. Collection method: clinical testing. Allele origin: germline.
Comment: The p.Q909R variant (also known as c.2726A>G), located in coding exon 13 of the BLM gene, results from an A to G substitution at nucleotide position 2726. The glutamine at codon 909 is replaced by arginine, an amino acid with highly similar properties. This amino acid position is conserved. In addition, this alteration is predicted to be tolerated by in silico analysis. Based on the available evidence, the clinical significance of this variant remains unclear.